The following is an entry in ClinVar:

ClinVar aggregate classification (germline): Pathogenic. Review status: criteria provided, multiple submitters, no conflicts (2 of 4 stars). 3 submissions from 3 submitters: Pathogenic (3). Last evaluated 2024-10-29.

Conditions:
Epidermolysis bullosa simplex 5C, with pyloric atresia (EBS5C). Also called: Epidermolysis bullosa simplex with pyloric atresia; PLEC-Related Epidermolysis Bullosa with Pyloric Atresia; PLEC1-Related Epidermolysis Bullosa with Pyloric Atresia. Identifiers: Orphanet 158684, MedGen C2677349, MONDO:0012807, OMIM 612138.
Autosomal recessive limb-girdle muscular dystrophy type 2Q (LGMDR17). Also called: MUSCULAR DYSTROPHY, LIMB-GIRDLE, AUTOSOMAL RECESSIVE 17. Identifiers: Orphanet 254361, MedGen C3150989, MONDO:0013390, OMIM 613723.
Epidermolysis bullosa simplex, Ogna type (EBS5A). Also called: Pidermolysis bullosa simplex 5A, Ogna type; EPIDERMOLYSIS BULLOSA SIMPLEX 5A, OGNA TYPE. Identifiers: Orphanet 79401, MedGen C0432317, MONDO:0007555, OMIM 131950.
Epidermolysis bullosa simplex 5B, with muscular dystrophy (EBS5B). Also called: Epidermolysis bullosa simplex with muscular dystrophy; EPIDERMOLYSIS BULLOSA SIMPLEX AND LIMB-GIRDLE MUSCULAR DYSTROPHY. Identifiers: Orphanet 257, MedGen C2931072, MONDO:0009181, OMIM 226670.
Epidermolysis bullosa simplex with nail dystrophy (EBS5D). Identifiers: MedGen C4225309, MONDO:0014661, OMIM 616487.

Allele frequency attached by ClinVar (database versions not stated): TOPMed 0.00001.

Submissions (3):

Labcorp Genetics (formerly Invitae), Labcorp
Classification: Pathogenic for Autosomal recessive limb-girdle muscular dystrophy type 2Q; Epidermolysis bullosa simplex, Ogna type; Epidermolysis bullosa simplex with nail dystrophy; Epidermolysis bullosa simplex 5C, with pyloric atresia; Epidermolysis bullosa simplex 5B, with muscular dystrophy. Last evaluated: 2024-10-29. Review status: criteria provided, single submitter. Criteria: Invitae Variant Classification Sherloc (09022015). Collection method: clinical testing. Allele origin: germline.
Comment: This sequence change creates a premature translational stop signal (p.Arg2421*) in the PLEC gene. It is expected to result in an absent or disrupted protein product. Loss-of-function variants in PLEC are known to be pathogenic (PMID: 20301336, 20447487, 21109228, 23289980, 28824526). This variant is not present in population databases (gnomAD no frequency). This premature translational stop signal has been observed in individual(s) with epidermolysis bullosa with muscular dystrophy (PMID: 9886273). ClinVar contains an entry for this variant (Variation ID: 289658). For these reasons, this variant has been classified as Pathogenic.

GeneDx
Classification: Pathogenic. Last evaluated: 2018-01-16. Review status: criteria provided, single submitter. Criteria: GeneDx Variant Classification (06012015). Collection method: clinical testing. Allele origin: germline. Affected: yes.
Comment: The R2421X variant in the PLEC gene has been reported previously both in the heterozygous state with an unidentified second PLEC variant, and in the compound heterozygous state, in individuals with epidermolysis bullosa simplex with muscular dystrophy (EBS-MD) (Takizawa et al., 1999; Pfendner et al., 2005; Natsuga et al., 2015). This variant is predicted to cause loss of normal protein function either through protein truncation or nonsense-mediated mRNA decay. The R2421X variant is not observed in large population cohorts (Lek et al., 2016). We interpret R2421X as a pathogenic variant.This variant has been seen apparently homozygous.

Eurofins Ntd Llc (ga)
Classification: Pathogenic. Last evaluated: 2016-08-16. Review status: criteria provided, single submitter. Criteria: EGL Classification Definitions 2015. Collection method: clinical testing. Allele origin: germline. Observed: 1 variant allele, 1 heterozygote.

Literature cited by the submitters: PubMed 20301336 (cited by Labcorp Genetics (formerly Invitae), Labcorp); PubMed 20447487 (cited by Labcorp Genetics (formerly Invitae), Labcorp); PubMed 21109228 (cited by Labcorp Genetics (formerly Invitae), Labcorp); PubMed 23289980 (cited by Labcorp Genetics (formerly Invitae), Labcorp); PubMed 28824526 (cited by Labcorp Genetics (formerly Invitae), Labcorp); PubMed 9886273 (cited by Labcorp Genetics (formerly Invitae), Labcorp and Eurofins Ntd Llc (ga)).

NM_201384.3(PLEC):c.7180C>T (p.Arg2394Ter)

Gene: PLEC (plectin; minus strand). Cytogenetic location: 8q24.3.
Variant type: single nucleotide variant.
Coding change: c.7180C>T on transcript NM_201384.3 (MANE Select); coding-DNA position 7180, C replaced by T.
Protein change: p.Arg2394Ter; replaces arginine 2394 with a stop codon.
Molecular consequence: nonsense.
Genome position (GRCh38, 1-based): chr8:143,922,749, G>A on the plus strand (C>T on the coding strand, the complement: PLEC is on the minus strand). VCF-style: chr8-143922749-G-A. GRCh37 (hg19) VCF-style: chr8-144996917-G-A.
Other names: c.7261C>T, p.Arg2421Ter (NM_000445.5); c.7138C>T, p.Arg2380Ter (NM_201378.4); c.7114C>T, p.Arg2372Ter (NM_201379.3); c.7591C>T, p.Arg2531Ter (NM_201380.4); c.7084C>T, p.Arg2362Ter (NM_201381.3); c.7180C>T, p.Arg2394Ter (NM_201382.4); c.7192C>T, p.Arg2398Ter (NM_201383.3); short protein forms R2394*, R2362*, R2372*, R2421*, R2380*, R2398*, R2531*.
Identifiers: ClinVar variation 289658 (VCV000289658.10), dbSNP rs886044894, ClinGen allele CA10606513.